The following is an entry in ClinVar:

ClinVar aggregate classification (germline): Benign/Likely benign. Review status: criteria provided, multiple submitters, no conflicts (2 of 4 stars). 3 submissions from 3 submitters: Benign (1); Likely benign (2). Last evaluated 2025-06-24.

Conditions:
Hereditary cancer-predisposing syndrome. Also called: Neoplastic Syndromes, Hereditary; Tumor predisposition; Hereditary Cancer Syndrome; Hereditary neoplastic syndrome. Identifiers: Orphanet 140162, MedGen C0027672, MeSH D009386, MONDO:0015356.
Familial adenomatous polyposis 1 (FAP1). Also called: FAMILIAL ADENOMATOUS POLYPOSIS 1, ATTENUATED; POLYPOSIS, ADENOMATOUS INTESTINAL. Identifiers: MedGen C2713442, MONDO:0021056, OMIM 175100. Disease mechanism: loss of function.

Allele frequency attached by ClinVar (database versions not stated): TOPMed 0.00002.
gnomAD v4.1: 5 of 1,614,086 alleles (0.00031%); highest among the groups gnomAD compares: South Asian, 0.0011%; no homozygotes.

Submissions (3):

Labcorp Genetics (formerly Invitae), Labcorp
Classification: Likely benign for Familial adenomatous polyposis 1. Last evaluated: 2025-06-24. Review status: criteria provided, single submitter. Criteria: Invitae Variant Classification Sherloc (09022015). Collection method: clinical testing. Allele origin: germline.

Myriad Genetics, Inc.
Classification: Benign for Familial adenomatous polyposis 1. Last evaluated: 2024-03-15. Review status: criteria provided, single submitter. Criteria: Myriad Autosomal Dominant, Autosomal Recessive and X-Linked Classification Criteria (2023). Collection method: clinical testing. Allele origin: unknown.
Comment: This variant is considered benign. This variant is a silent/synonymous amino acid change and it is not expected to impact splicing.

Ambry Genetics
Classification: Likely benign for Hereditary cancer-predisposing syndrome. Last evaluated: 2016-02-02. Review status: criteria provided, single submitter. Criteria: Ambry Variant Classification Scheme 2023. Collection method: clinical testing. Allele origin: germline.

NM_000038.6(APC):c.2658G>A (p.Gln886=)

Gene: APC (APC regulator of Wnt signaling pathway; plus strand). Cytogenetic location: 5q22.2.
Variant type: single nucleotide variant.
Coding change: c.2658G>A on transcript NM_000038.6 (MANE Select); coding-DNA position 2658, G replaced by A.
Protein change: p.Gln886=; no amino-acid change (glutamine 886 retained).
Molecular consequence: synonymous variant.
Genome position (GRCh38, 1-based): chr5:112,838,252, G>A. VCF-style: chr5-112838252-G-A. GRCh37 (hg19) VCF-style: chr5-112173949-G-A.
Other names: c.2658G>A, p.Gln886= (NM_001127510.3, NM_001354895.2); c.2604G>A, p.Gln868= (NM_001127511.3); c.2712G>A, p.Gln904= (NM_001354896.2); c.2688G>A, p.Gln896= (NM_001354897.2); c.2583G>A, p.Gln861= (NM_001354898.2); c.2574G>A, p.Gln858= (NM_001354899.2); c.2535G>A, p.Gln845= (NM_001354900.2); c.2481G>A, p.Gln827= (NM_001354901.2); and 5 more.
Identifiers: ClinVar variation 482306 (VCV000482306.15), dbSNP rs587780593, ClinGen allele CA445962989.